The following is an entry in ClinVar:

NM_024635.4(NAA35):c.880C>G (p.His294Asp)

Gene: NAA35 (N-alpha-acetyltransferase 35, NatC auxiliary subunit; plus strand). Cytogenetic location: 9q21.33.
Variant type: single nucleotide variant.
Coding change: c.880C>G on transcript NM_024635.4 (MANE Select); coding-DNA position 880, C replaced by G.
Protein change: p.His294Asp; replaces histidine 294 with aspartic acid.
Molecular consequence: missense variant.
Genome position (GRCh38, 1-based): chr9:85,996,401, C>G. VCF-style: chr9-85996401-C-G. GRCh37 (hg19) VCF-style: chr9-88611316-C-G.
Other names: c.880C>G (NM_024635.3); c.880C>G, p.His294Asp (NM_001321881.2, NM_001321882.2); short protein forms H294D.
Identifiers: ClinVar variation 2902864 (VCV002902864.4), dbSNP rs755639844, ClinGen allele CA5107303.
Genomic context (GRCh38, chr9:85,996,401, plus strand): 5'-TGCAGTTTAAAATTCAGAGAAAAGTTGAAAAATTTTACTTTCATTTTTTTCTTTTTAGAT[C>G]ATCCAATTATGATGGGTTTTGAACCCCTTGTGAACCAGAGGCTACTTCCACCTACCTTCC-3'
Protein context (NP_078911.3, residues 284-304): QAQNDTTKGD[His294Asp]PIMMGFEPLV

ClinVar aggregate classification (germline): Uncertain significance. Review status: criteria provided, multiple submitters, no conflicts (2 of 4 stars). 2 submissions from 2 submitters: Uncertain significance (2). Last evaluated 2025-12-16.

Allele frequency attached by ClinVar (database versions not stated): ExAC 0.00001; TOPMed 0.00001.
gnomAD v4.1: 1 of 1,557,146 alleles (0.000064%); highest among the groups gnomAD compares: Admixed American, 0.0023%; no homozygotes.

Submissions (2):

Ambry Genetics
Classification: Uncertain significance. Last evaluated: 2025-12-16. Review status: criteria provided, single submitter. Criteria: Ambry Variant Classification Scheme 2023. Collection method: clinical testing. Allele origin: germline.

Labcorp Genetics (formerly Invitae), Labcorp
Classification: Uncertain significance. Last evaluated: 2025-06-10. Review status: criteria provided, single submitter. Criteria: Invitae Variant Classification Sherloc (09022015). Collection method: clinical testing. Allele origin: germline.
Comment: This sequence change replaces histidine, which is basic and polar, with aspartic acid, which is acidic and polar, at codon 294 of the NAA35 protein (p.His294Asp). This variant is not present in population databases (gnomAD no frequency). This variant has not been reported in the literature in individuals affected with NAA35-related conditions. ClinVar contains an entry for this variant (Variation ID: 2902864). An algorithm developed to predict the effect of missense changes on protein structure and function (PolyPhen-2) suggests that this variant is likely to be tolerated. In summary, the available evidence is currently insufficient to determine the role of this variant in disease. Therefore, it has been classified as a Variant of Uncertain Significance.